The following is an entry in ClinVar:

NM_005431.2(XRCC2):c.807T>G (p.Phe269Leu)

Gene: XRCC2 (X-ray repair cross complementing 2; minus strand). Cytogenetic location: 7q36.1.
Variant type: single nucleotide variant.
Coding change: c.807T>G on transcript NM_005431.2 (MANE Select); coding-DNA position 807, T replaced by G.
Protein change: p.Phe269Leu; replaces phenylalanine 269 with leucine.
Molecular consequence: missense variant.
Genome position (GRCh38, 1-based): chr7:152,648,678, A>C on the plus strand (T>G on the coding strand, the complement: XRCC2 is on the minus strand). VCF-style: chr7-152648678-A-C. GRCh37 (hg19) VCF-style: chr7-152345763-A-C.
Other names: short protein forms F269L.
Identifiers: ClinVar variation 1761913 (VCV001761913.2), dbSNP rs2485880195, ClinGen allele CA370197892.
Genomic context (GRCh38, chr7:152,648,678, plus strand): 5'-CAAAAGACTATTTTATGATGTATATCAACAAAATTCAACCCCACTTTCTCCAATAATAAA[A>C]AAATGTTTTTTTAAACTGTTACTTTTTAAACAACGTGAAACTAATGAAAATTGGTTGCTG-3'
Protein context (NP_005422.1, residues 259-279): CLKSNSLKKH[Phe269Leu]FIIGESGVEF

ClinVar aggregate classification (germline): Uncertain significance (1 of 4 stars; one submission).

Conditions:
Hereditary cancer-predisposing syndrome. Also called: Neoplastic Syndromes, Hereditary; Tumor predisposition; Hereditary Cancer Syndrome; Hereditary neoplastic syndrome. Identifiers: Orphanet 140162, MedGen C0027672, MeSH D009386, MONDO:0015356.

Submission:

Ambry Genetics
Classification: Uncertain significance for Hereditary cancer-predisposing syndrome. Last evaluated: 2022-05-27. Review status: criteria provided, single submitter. Criteria: Ambry Variant Classification Scheme 2023. Collection method: clinical testing. Allele origin: germline.
Comment: The p.F269L variant (also known as c.807T>G), located in coding exon 3 of the XRCC2 gene, results from a T to G substitution at nucleotide position 807. The phenylalanine at codon 269 is replaced by leucine, an amino acid with highly similar properties. This amino acid position is conserved. In addition, this alteration is predicted to be tolerated by in silico analysis. Since supporting evidence is limited at this time, the clinical significance of this alteration remains unclear.